The following is an entry in ClinVar:

ClinVar aggregate classification (germline): Pathogenic (1 of 4 stars; one submission).

Conditions:
Inborn genetic diseases. Identifiers: MedGen C0950123, MeSH D030342.

Submission:

Ambry Genetics
Classification: Pathogenic for Inborn genetic diseases. Last evaluated: 2021-03-26. Review status: criteria provided, single submitter. Criteria: Ambry Variant Classification Scheme 2023. Collection method: clinical testing. Allele origin: germline.
Comment: The c.852delC (p.V285Sfs*61) alteration, located in exon 8 (coding exon 8) of the SCAF4 gene, consists of a deletion of one nucleotide at position 852, causing a translational frameshift with a predicted alternate stop codon after 61 amino acids. This alteration is expected to result in loss of function by premature protein truncation or nonsense-mediated mRNA decay. Based on data from the Genome Aggregation Database (gnomAD), the SCAF4 c.852delC alteration was not observed, with coverage at this position. Based on the available evidence, this alteration is classified as pathogenic.

NM_020706.2(SCAF4):c.852del (p.Val285fs)

Gene: SCAF4 (SR-related CTD associated factor 4; minus strand). Cytogenetic location: 21q22.11.
Variant type: Deletion.
Coding change: c.852del on transcript NM_020706.2 (MANE Select); coding-DNA position 852, one base deleted (C; older notation c.852delC).
Protein change: p.Val285fs; shifts the reading frame from valine 285.
Molecular consequence: frameshift variant.
Genome position (GRCh38, 1-based): chr21:31,696,676, G deleted on the plus strand (C on the coding strand, the reverse complement: SCAF4 is on the minus strand); the first of 2 consecutive G bases (chr21:31,696,676-31,696,677); deleting either gives the same sequence. VCF-style (leftmost placement, unchanged base first): chr21-31696675-CG-C. GRCh37 (hg19) VCF-style: chr21-33068988-CG-C.
Other names: c.807del, p.Val270fs (NM_001145444.1); c.852del, p.Val285fs (NM_001145445.1); c.852delC (NM_020706.2); short protein forms V285fs, V270fs.
Identifiers: ClinVar variation 2227100 (VCV002227100.2), dbSNP rs2516779125, ClinGen allele CA2580098551.
Genomic context (GRCh38, chr21:31,696,675, plus strand): 5'-CAGCAGGCACGGTGGCGGTGGGTGCAGGGGGTACTGCGGCAGCAGGTGCTGTCGTGGTGA[CG>C]GCAGTGGTATCCTCTTTCTTTGATTCTTCCACAGCTTCTGGCTCATCATCATAGTCAAAT-3'